The following is an entry in ClinVar:

ClinVar aggregate classification (germline): Uncertain significance (1 of 4 stars; one submission).

Allele frequency attached by ClinVar (database versions not stated): gnomAD exomes below 0.00001.
gnomAD v4.1: 1 of 1,614,226 alleles (0.000062%); highest among the groups gnomAD compares: Admixed American, 0.0017%; no homozygotes.

Submission:

Labcorp Genetics (formerly Invitae), Labcorp
Classification: Uncertain significance. Last evaluated: 2022-03-29. Review status: criteria provided, single submitter. Criteria: Invitae Variant Classification Sherloc (09022015). Collection method: clinical testing. Allele origin: germline.
Comment: This variant has not been reported in the literature in individuals affected with LRRK1-related conditions. This variant is not present in population databases (gnomAD no frequency). This sequence change replaces aspartic acid, which is acidic and polar, with glycine, which is neutral and non-polar, at codon 1683 of the LRRK1 protein (p.Asp1683Gly). Algorithms developed to predict the effect of missense changes on protein structure and function are either unavailable or do not agree on the potential impact of this missense change (SIFT: "Tolerated"; PolyPhen-2: "Probably Damaging"; Align-GVGD: "Class C0"). In summary, the available evidence is currently insufficient to determine the role of this variant in disease. Therefore, it has been classified as a Variant of Uncertain Significance.

NM_024652.6(LRRK1):c.5048A>G (p.Asp1683Gly)

Genes: LRRK1 (leucine rich repeat kinase 1; plus strand), LRRK1-AS1 (LRRK1 antisense RNA 1; minus strand). Cytogenetic location: 15q26.3.
Variant type: single nucleotide variant.
Coding change: c.5048A>G on transcript NM_024652.6 (MANE Select); coding-DNA position 5048, A replaced by G.
Protein change: p.Asp1683Gly; replaces aspartic acid 1683 with glycine.
Molecular consequence: missense variant.
Genome position (GRCh38, 1-based): chr15:101,065,485, A>G. VCF-style: chr15-101065485-A-G. GRCh37 (hg19) VCF-style: chr15-101605690-A-G.
Other names: short protein forms D1683G.
Identifiers: ClinVar variation 2085983 (VCV002085983.4), dbSNP rs2505519814, ClinGen allele CA393959759.